The following is an entry in ClinVar:

NM_018669.6(WDR4):c.410G>T (p.Cys137Phe)

Gene: WDR4 (WDR4 tRNA N7-guanosine methyltransferase non-catalytic subunit; minus strand). Cytogenetic location: 21q22.3.
Variant type: single nucleotide variant.
Coding change: c.410G>T on transcript NM_018669.6 (MANE Select); coding-DNA position 410, G replaced by T.
Protein change: p.Cys137Phe; replaces cysteine 137 with phenylalanine.
Molecular consequence: missense variant. On other transcripts: 5 prime UTR variant (3), non-coding transcript variant (1).
Genome position (GRCh38, 1-based): chr21:42,863,483, C>A on the plus strand (G>T on the coding strand, the complement: WDR4 is on the minus strand). VCF-style: chr21-42863483-C-A. GRCh37 (hg19) VCF-style: chr21-44283593-C-A.
Other names: c.410G>T, p.Cys137Phe (NM_001260474.2, NM_033661.5); c.-29G>T (NM_001260475.2, NM_001260476.2, NM_001260477.2 and 1 more transcripts); c.410G>T (NM_018669.4); short protein forms C137F.
Identifiers: ClinVar variation 2038588 (VCV002038588.5), dbSNP rs945864323, ClinGen allele CA321647309.

ClinVar aggregate classification (germline): Uncertain significance. Review status: criteria provided, multiple submitters, no conflicts (2 of 4 stars). 2 submissions from 2 submitters: Uncertain significance (2). Last evaluated 2025-07-02.

Conditions:
Inborn genetic diseases. Identifiers: MedGen C0950123, MeSH D030342.

Allele frequency attached by ClinVar (database versions not stated): gnomAD exomes below 0.00001; TOPMed 0.00003; gnomAD 0.00007.
gnomAD v4.1: 16 of 1,613,910 alleles (0.00099%); highest among the groups gnomAD compares: African/African-American, 0.02%; no homozygotes.

Submissions (2):

Ambry Genetics
Classification: Uncertain significance for Inborn genetic diseases. Last evaluated: 2025-07-02. Review status: criteria provided, single submitter. Criteria: Ambry Variant Classification Scheme 2023. Collection method: clinical testing. Allele origin: germline.

Labcorp Genetics (formerly Invitae), Labcorp
Classification: Uncertain significance. Last evaluated: 2021-12-28. Review status: criteria provided, single submitter. Criteria: Invitae Variant Classification Sherloc (09022015). Collection method: clinical testing. Allele origin: germline.
Comment: In summary, the available evidence is currently insufficient to determine the role of this variant in disease. Therefore, it has been classified as a Variant of Uncertain Significance. Algorithms developed to predict the effect of missense changes on protein structure and function (SIFT, PolyPhen-2, Align-GVGD) all suggest that this variant is likely to be tolerated. This variant has not been reported in the literature in individuals affected with WDR4-related conditions. This variant is present in population databases (no rsID available, gnomAD 0.01%). This sequence change replaces cysteine, which is neutral and slightly polar, with phenylalanine, which is neutral and non-polar, at codon 137 of the WDR4 protein (p.Cys137Phe).